The following is an entry in ClinVar:

NM_014946.4(SPAST):c.113C>G (p.Pro38Arg)

Gene: SPAST (spastin; plus strand). Cytogenetic location: 2p22.3.
Variant type: single nucleotide variant.
Coding change: c.113C>G on transcript NM_014946.4 (MANE Select); coding-DNA position 113, C replaced by G.
Protein change: p.Pro38Arg; replaces proline 38 with arginine.
Molecular consequence: missense variant.
Genome position (GRCh38, 1-based): chr2:32,063,944, C>G. VCF-style: chr2-32063944-C-G. GRCh37 (hg19) VCF-style: chr2-32289013-C-G.
Other names: c.113C>G, p.Pro38Arg (NM_001363823.2, NM_001363875.2, NM_001377959.1 and 1 more transcripts); short protein forms P38R.
Identifiers: ClinVar variation 409029 (VCV000409029.9), dbSNP rs1041662261, ClinGen allele CA16610961.
Genomic context (GRCh38, chr2:32,063,944, plus strand): 5'-ACCCGGTGCCTCCCAGGCCTCCGCCCCCTTGCCTGGCCCCCGCCCCTCCCGCCGCCGGGC[C>G]GGCCCCTCCGCCCGAGTCGCCGCATAAGCGGAACCTGTACTATTTCTCCTACCCGCTGTT-3'
Protein context (NP_055761.2, residues 28-48): CLAPAPPAAG[Pro38Arg]APPPESPHKR

ClinVar aggregate classification (germline): Uncertain significance. Review status: criteria provided, multiple submitters, no conflicts (2 of 4 stars). 2 submissions from 2 submitters: Uncertain significance (2). Last evaluated 2024-03-21.

Conditions:
Hereditary spastic paraplegia 4. Also called: Spastic paraplegia 4, autosomal dominant; Familial spastic paraplegia autosomal dominant 2; Spastic Paraplegia 4. Identifiers: Orphanet 100985, MedGen C1866855, MONDO:0008438, OMIM 182601.
Inborn genetic diseases. Identifiers: MedGen C0950123, MeSH D030342.

Allele frequency attached by ClinVar (database versions not stated): gnomAD 0.00001; TOPMed 0.00003.
gnomAD v4.1: 9 of 1,608,560 alleles (0.00056%); highest among the groups gnomAD compares: South Asian, 0.0022%; no homozygotes.

Submissions (2):

Ambry Genetics
Classification: Uncertain significance for Inborn genetic diseases. Last evaluated: 2024-03-21. Review status: criteria provided, single submitter. Criteria: Ambry Variant Classification Scheme 2023. Collection method: clinical testing. Allele origin: germline.

Labcorp Genetics (formerly Invitae), Labcorp
Classification: Uncertain significance for Hereditary spastic paraplegia 4. Last evaluated: 2016-07-14. Review status: criteria provided, single submitter. Criteria: Invitae Variant Classification Sherloc (09022015). Collection method: clinical testing. Allele origin: germline.
Comment: Substitutions of nearby amino acids (e.g., p.Ser44Leu) are reported to be causative for spastic paraplegia (PMID: 11015453). In summary, this variant is a novel missense change that is not predicted to affect protein function. There is no indication that it causes disease, but the available evidence is currently insufficient to prove that conclusively. Therefore, it has been classified as a Variant of Uncertain Significance. Algorithms developed to predict the effect of missense changes on protein structure and function (SIFT, PolyPhen-2, Align-GVGD) all suggest that this variant is likely to be tolerated. The arginine amino acid residue is also found in multiple mammalian species, suggesting that this missense change does not adversely affect protein function. These predictions have not been confirmed by published functional studies. This variant is not present in population databases (ExAC no frequency) and has not been reported in the literature in individuals with a SPAST-related disease. This sequence change replaces proline with arginine at codon 38 of the SPAST protein (p.Pro38Arg). The proline residue is weakly conserved and there is a moderate physicochemical difference between proline and arginine.

Literature cited by the submitters: PubMed 11015453 (cited by Labcorp Genetics (formerly Invitae), Labcorp).